The following is an entry in ClinVar:

ClinVar aggregate classification (germline): Likely benign (1 of 4 stars; one submission).

Submission:

CeGaT Center for Human Genetics Tuebingen
Classification: Likely benign. Last evaluated: 2023-05-01. Review status: criteria provided, single submitter. Criteria: CeGaT Center For Human Genetics Tuebingen Variant Classification Criteria Version 2. Collection method: clinical testing. Allele origin: germline. Affected: yes. Observed: 1 variant allele.
Comment: TTC19: BS2

NM_017775.4(TTC19):c.*1312_*1324dup

Gene: TTC19 (tetratricopeptide repeat domain 19; plus strand). Cytogenetic location: 17p12.
Variant type: Duplication.
Coding change: c.*1312_*1324dup on transcript NM_017775.4 (MANE Select); 1312 bases downstream of the stop codon through 1324 bases downstream of the stop codon, 13 bases duplicated (AAAAAAAAAAAAA).
Molecular consequence: 3 prime UTR variant.
Genome position (GRCh38, 1-based): chr17:16,028,834-16,028,846, AAAAAAAAAAAAA duplicated; duplicating any 13 consecutive bases within chr17:16,028,819-16,028,846 gives the same sequence; the c. name uses the placement nearest the transcript's 3' end. VCF-style (leftmost placement, unchanged base first): chr17-16028818-C-CAAAAAAAAAAAAA. GRCh37 (hg19) VCF-style: chr17-15932132-C-CAAAAAAAAAAAAA.
Other names: c.*1312_*1324dup (NM_001271420.2).
Identifiers: ClinVar variation 2647502 (VCV002647502.24), dbSNP rs59177775, ClinGen allele CA8407696.